The following is an entry in ClinVar:

NM_001127208.3(TET2):c.451G>T (p.Val151Leu)

Genes: TET2-AS1 (TET2 antisense RNA 1; minus strand), TET2 (tet methylcytosine dioxygenase 2; plus strand). Cytogenetic location: 4q24.
Variant type: single nucleotide variant.
Coding change: c.451G>T on transcript NM_001127208.3 (MANE Select); coding-DNA position 451, G replaced by T.
Protein change: p.Val151Leu; replaces valine 151 with leucine.
Molecular consequence: missense variant.
Genome position (GRCh38, 1-based): chr4:105,234,393, G>T. VCF-style: chr4-105234393-G-T. GRCh37 (hg19) VCF-style: chr4-106155550-G-T.
Other names: c.451G>T, p.Val151Leu (NM_017628.4); short protein forms V151L.
Identifiers: ClinVar variation 4825019 (VCV004825019.1).

ClinVar aggregate classification (germline): Uncertain significance (1 of 4 stars; one submission).

Submission:

Ambry Genetics
Classification: Uncertain significance. Last evaluated: 2026-02-16. Review status: criteria provided, single submitter. Criteria: Ambry Variant Classification Scheme 2023. Collection method: clinical testing. Allele origin: germline.
Comment: The p.V151L variant (also known as c.451G>T), located in coding exon 1 of the TET2 gene, results from a G to T substitution at nucleotide position 451. The valine at codon 151 is replaced by leucine, an amino acid with highly similar properties. This amino acid position is conserved. In addition, this alteration is predicted to be tolerated by in silico analysis. Based on the available evidence, the clinical significance of this variant remains unclear.